The following is an entry in ClinVar:

NM_002017.5(FLI1):c.1313G>A (p.Arg438His)

Gene: FLI1 (Fli-1 proto-oncogene, ETS transcription factor; plus strand). Cytogenetic location: 11q24.3.
Variant type: single nucleotide variant.
Coding change: c.1313G>A on transcript NM_002017.5 (MANE Select); coding-DNA position 1313, G replaced by A.
Protein change: p.Arg438His; replaces arginine 438 with histidine.
Molecular consequence: missense variant.
Genome position (GRCh38, 1-based): chr11:128,810,942, G>A. VCF-style: chr11-128810942-G-A. GRCh37 (hg19) VCF-style: chr11-128680837-G-A.
Other names: c.734G>A, p.Arg245His (NM_001271012.2); c.1214G>A, p.Arg405His (NM_001167681.3); c.1115G>A, p.Arg372His (NM_001271010.2); short protein forms R405H, R245H, R438H, R372H.
Identifiers: ClinVar variation 2888645 (VCV002888645.3), dbSNP rs375383556, ClinGen allele CA6357343.

ClinVar aggregate classification (germline): Uncertain significance (1 of 4 stars; one submission).

Allele frequency attached by ClinVar (database versions not stated): gnomAD 0.00004; 1000 Genomes Project 0.00020; ESP Exome Variant Server 0.00008; gnomAD exomes 0.00006; 1000 Genomes Project 30x 0.00016; TOPMed 0.00003; ExAC 0.00009.
gnomAD v4.1: 95 of 1,613,860 alleles (0.0059%); highest among the groups gnomAD compares: Admixed American, 0.033%; no homozygotes.

Submission:

Labcorp Genetics (formerly Invitae), Labcorp
Classification: Uncertain significance. Last evaluated: 2025-08-18. Review status: criteria provided, single submitter. Criteria: Invitae Variant Classification Sherloc (09022015). Collection method: clinical testing. Allele origin: germline.
Comment: This sequence change replaces arginine, which is basic and polar, with histidine, which is basic and polar, at codon 438 of the FLI1 protein (p.Arg438His). This variant is present in population databases (rs375383556, gnomAD 0.03%), and has an allele count higher than expected for a pathogenic variant. This variant has not been reported in the literature in individuals affected with FLI1-related conditions. ClinVar contains an entry for this variant (Variation ID: 2888645). An algorithm developed to predict the effect of missense changes on protein structure and function (PolyPhen-2) suggests that this variant is likely to be disruptive. In summary, the available evidence is currently insufficient to determine the role of this variant in disease. Therefore, it has been classified as a Variant of Uncertain Significance.